The following is an entry in ClinVar:

NM_012431.3(SEMA3E):c.2155T>G (p.Tyr719Asp)

Gene: SEMA3E (semaphorin 3E; minus strand). Cytogenetic location: 7q21.11.
Variant type: single nucleotide variant.
Coding change: c.2155T>G on transcript NM_012431.3 (MANE Select); coding-DNA position 2155, T replaced by G.
Protein change: p.Tyr719Asp; replaces tyrosine 719 with aspartic acid.
Molecular consequence: missense variant.
Genome position (GRCh38, 1-based): chr7:83,367,759, A>C on the plus strand (T>G on the coding strand, the complement: SEMA3E is on the minus strand). VCF-style: chr7-83367759-A-C. GRCh37 (hg19) VCF-style: chr7-82997075-A-C.
Other names: c.1975T>G, p.Tyr659Asp (NM_001178129.2); short protein forms Y719D, Y659D.
Identifiers: ClinVar variation 252677 (VCV000252677.7), dbSNP rs879255398, ClinGen allele CA10586000.

ClinVar aggregate classification (germline): Uncertain significance. Review status: criteria provided, multiple submitters, no conflicts (2 of 4 stars). 2 submissions from 2 submitters: Uncertain significance (2). Last evaluated 2021-12-18.

Conditions:
CHARGE syndrome (CHARGE). Also called: Hittner Hirsch Kreh syndrome; Coloboma, heart anomaly, choanal atresia, retardation, genital and ear anomalies; CHARGE association; Hall-Hittner syndrome; CHARGE ASSOCIATION--COLOBOMA, HEART ANOMALY, CHOANAL ATRESIA, RETARDATION, GENITAL AND EAR ANOMALIES. Identifiers: Orphanet 138, MedGen C0265354, MONDO:0008965.

Submissions (2):

Labcorp Genetics (formerly Invitae), Labcorp
Classification: Uncertain significance for CHARGE syndrome. Last evaluated: 2021-12-18. Review status: criteria provided, single submitter. Criteria: Invitae Variant Classification Sherloc (09022015). Collection method: clinical testing. Allele origin: germline.
Comment: ClinVar contains an entry for this variant (Variation ID: 252677). This variant has not been reported in the literature in individuals affected with SEMA3E-related conditions. This variant is not present in population databases (gnomAD no frequency). This sequence change replaces tyrosine, which is neutral and polar, with aspartic acid, which is acidic and polar, at codon 719 of the SEMA3E protein (p.Tyr719Asp). Algorithms developed to predict the effect of missense changes on protein structure and function are either unavailable or do not agree on the potential impact of this missense change (SIFT: "Deleterious"; PolyPhen-2: "Possibly Damaging"; Align-GVGD: "Class C0"). In summary, the available evidence is currently insufficient to determine the role of this variant in disease. Therefore, it has been classified as a Variant of Uncertain Significance.

Genomic Diagnostic Laboratory, Division of Genomic Diagnostics, Children's Hospital of Philadelphia
Classification: Uncertain significance. Last evaluated: 2015-11-30. Review status: criteria provided, single submitter. Criteria: DGD Variant Analysis Guidelines. Collection method: clinical testing. Allele origin: unknown.